The following is an entry in ClinVar:

NM_014915.3(ANKRD26):c.2405_2409del (p.Arg802fs)

Gene: ANKRD26 (ankyrin repeat domain 26; minus strand). Cytogenetic location: 10p12.1.
Variant type: Microsatellite.
Coding change: c.2405_2409del on transcript NM_014915.3 (MANE Select); coding-DNA positions 2405 to 2409, 5 bases deleted (GAAGA; older notation c.2405_2409delGAAGA).
Protein change: p.Arg802fs; shifts the reading frame from arginine 802.
Molecular consequence: frameshift variant.
Genome position (GRCh38, 1-based): chr10:27,038,021-27,038,025, TCTTC deleted on the plus strand (GAAGA on the coding strand, the reverse complement: ANKRD26 is on the minus strand); deleting any 5 consecutive bases within chr10:27,038,021-27,038,036 gives the same sequence; the c. name uses the placement nearest the transcript's 3' end. VCF-style (leftmost placement, unchanged base first): chr10-27038020-TTCTTC-T. GRCh37 (hg19) VCF-style: chr10-27326949-TTCTTC-T.
Other names: c.2402_2406del, p.Arg801fs (NM_001256053.2); c.2391_2395AGAAG[2], p.Glu800Lysfs (NM_014915.2); c.2405_2409del (NM_014915.2); short protein forms R801fs, R802fs.
Identifiers: ClinVar variation 2663984 (VCV002663984.1), dbSNP rs755734556, ClinGen allele CA204450864.

ClinVar aggregate classification (germline): Uncertain significance (1 of 4 stars; one submission).

Conditions:
Thrombocytopenia 2 (THC2). Also called: ANKRD26-Related Thrombocytopenia. Identifiers: Orphanet 268322, MedGen C1861185, MONDO:0008555, OMIM 188000.

Submission:

St. Jude Molecular Pathology, St. Jude Children's Research Hospital
Classification: Uncertain significance for Thrombocytopenia 2. Last evaluated: 2023-09-20. Review status: criteria provided, single submitter. Criteria: St. Jude Assertion Criteria 2020. Collection method: clinical testing. Allele origin: germline.
Comment: The ANKRD26 c.2405_2409del (p.Arg802LysfsTer3) change causes a frameshift and the creation of a premature stop codon, however the functional significance of this variant is currently unknown. This variant has a maximum subpopulation frequency of 0.0083% in gnomAD v2.1.1. To our knowledge, this variant has not been reported in individuals with thrombocytopenia and/or myeloid malignancies. In summary, the evidence currently available is insufficient to determine the clinical significance of this variant. It has therefore been classified as of uncertain significance.